The following is an entry in ClinVar:

ClinVar aggregate classification (germline): Uncertain significance (1 of 4 stars; one submission).

Conditions:
Norman-Roberts syndrome (LIS2). Also called: Lissencephaly 2 (Norman-Roberts type). Identifiers: Orphanet 89844, MedGen C0796089, MONDO:0009760, OMIM 257320.
Familial temporal lobe epilepsy 7. Identifiers: Orphanet 101046, MedGen C4225327, MONDO:0014639, OMIM 616436.

gnomAD v4.1: 1 of 1,613,988 alleles (0.000062%); highest among the groups gnomAD compares: Non-Finnish European, 0.000085%; no homozygotes.

Submission:

Labcorp Genetics (formerly Invitae), Labcorp
Classification: Uncertain significance for Familial temporal lobe epilepsy 7; Norman-Roberts syndrome. Last evaluated: 2025-07-06. Review status: criteria provided, single submitter. Criteria: Invitae Variant Classification Sherloc (09022015). Collection method: clinical testing. Allele origin: germline.
Comment: This sequence change replaces phenylalanine, which is neutral and non-polar, with serine, which is neutral and polar, at codon 3439 of the RELN protein (p.Phe3439Ser). This variant is not present in population databases (gnomAD no frequency). This variant has not been reported in the literature in individuals affected with RELN-related conditions. Invitae Evidence Modeling of protein sequence and biophysical properties (such as structural, functional, and spatial information, amino acid conservation, physicochemical variation, residue mobility, and thermodynamic stability) indicates that this missense variant is not expected to disrupt RELN protein function with a negative predictive value of 80%. In summary, the available evidence is currently insufficient to determine the role of this variant in disease. Therefore, it has been classified as a Variant of Uncertain Significance.

NM_005045.4(RELN):c.10316T>C (p.Phe3439Ser)

Genes: SLC26A5-AS1 (SLC26A5 antisense RNA 1; plus strand), RELN (reelin; minus strand). Cytogenetic location: 7q22.1.
Variant type: single nucleotide variant.
Coding change: c.10316T>C on transcript NM_005045.4 (MANE Select); coding-DNA position 10316, T replaced by C.
Protein change: p.Phe3439Ser; replaces phenylalanine 3439 with serine.
Molecular consequence: missense variant.
Genome position (GRCh38, 1-based): chr7:103,472,879, A>G on the plus strand (T>C on the coding strand, the complement: RELN is on the minus strand). VCF-style: chr7-103472879-A-G. GRCh37 (hg19) VCF-style: chr7-103113326-A-G.
Other names: c.10310T>C, p.Phe3437Ser (NM_173054.3); short protein forms F3437S, F3439S.
Identifiers: ClinVar variation 4783056 (VCV004783056.1).